The following is an entry in ClinVar:

NM_058004.4(PI4KA):c.3067G>A (p.Ala1023Thr)

Gene: PI4KA (phosphatidylinositol 4-kinase alpha; minus strand). Cytogenetic location: 22q11.21.
Variant type: single nucleotide variant.
Coding change: c.3067G>A on transcript NM_058004.4 (MANE Select); coding-DNA position 3067, G replaced by A.
Protein change: p.Ala1023Thr; replaces alanine 1023 with threonine.
Molecular consequence: missense variant.
Genome position (GRCh38, 1-based): chr22:20,751,676, C>T on the plus strand (G>A on the coding strand, the complement: PI4KA is on the minus strand). VCF-style: chr22-20751676-C-T. GRCh37 (hg19) VCF-style: chr22-21105964-C-T.
Other names: c.3067G>A, p.Ala1023Thr (NM_001362862.2); c.3001G>A, p.Ala1001Thr (NM_001362863.2); short protein forms A1001T, A1023T.
Identifiers: ClinVar variation 4988315 (VCV004988315.3).

ClinVar aggregate classification (germline): Uncertain significance. Review status: criteria provided, multiple submitters, no conflicts (2 of 4 stars). 2 submissions from 2 submitters: Uncertain significance (2). Last evaluated 2025-11-17.

Conditions:
PI4KA-related disorder. Also called: PI4KA-related condition; PI4KA-related disorders. Identifiers: MedGen CN378147, MONDO:1040012.
Gastrointestinal defects and immunodeficiency syndrome 2 (GIDID2). Also called: MULTIPLE INTESTINAL ATRESIA WITH OR WITHOUT LEUKOPENIA. Identifiers: MedGen C5676901, MONDO:0030669, OMIM 619708.
Spastic paraplegia 84, autosomal recessive (SPG84). Identifiers: Orphanet 631079, MedGen C5562025, MONDO:0030482, OMIM 619621.
Polymicrogyria, perisylvian, with cerebellar hypoplasia and arthrogryposis (NEDSPLB). Identifiers: MedGen C4225295, MONDO:0014679, OMIM 616531.

gnomAD v4.1: 7 of 1,611,920 alleles (0.00043%); highest among the groups gnomAD compares: East Asian, 0.0089%; no homozygotes.

Submissions (2):

PreventionGenetics, part of Exact Sciences
Classification: Uncertain significance for PI4KA-related condition. Last evaluated: 2025-11-17. Review status: criteria provided, single submitter. Criteria: ACMG Guidelines, 2015. Collection method: clinical testing. Allele origin: germline.
Comment: The PI4KA c.3067G>A variant is predicted to result in the amino acid substitution p.Ala1023Thr. To our knowledge, this variant has not been reported in the literature. This variant is reported in 0.010% of alleles in individuals of East Asian descent in gnomAD. At this time, the clinical significance of this variant is uncertain due to the absence of conclusive functional and genetic evidence.

Juno Genomics, Hangzhou Juno Genomics, Inc
Classification: Uncertain significance for Spastic paraplegia 84, autosomal recessive; Gastrointestinal defects and immunodeficiency syndrome 2; Polymicrogyria, perisylvian, with cerebellar hypoplasia and arthrogryposis. Review status: criteria provided, single submitter. Criteria: ACMG Guidelines, 2015. Collection method: clinical testing. Allele origin: germline.
Comment: Absent from controls (or at extremely low frequency if recessive) in Genome Aggregation Database.;Missense variant in a gene that has a low rate of benign missense variation.